The following is an entry in ClinVar:

ClinVar aggregate classification (germline): Likely benign (1 of 4 stars; one submission).

Submission:

GeneDx
Classification: Likely benign. Last evaluated: 2017-05-19. Review status: criteria provided, single submitter. Criteria: GeneDx Variant Classification (06012015). Collection method: clinical testing. Allele origin: germline. Affected: yes.
Comment: This variant is considered likely benign or benign based on one or more of the following criteria: it is a conservative change, it occurs at a poorly conserved position in the protein, it is predicted to be benign by multiple in silico algorithms, and/or has population frequency not consistent with disease.

NM_004408.4(DNM1):c.1558-20_1558-18del

Gene: DNM1 (dynamin 1; plus strand). Cytogenetic location: 9q34.11.
Variant type: Microsatellite.
Coding change: c.1558-20_1558-18del on transcript NM_004408.4 (MANE Select); 20 bases into the intron before coding-DNA position 1558 through 18 bases into the intron before coding-DNA position 1558, 3 bases deleted (CCT; older notation c.1558-20_1558-18delCCT).
Molecular consequence: intron variant.
Genome position (GRCh38, 1-based): chr9:128,242,212-128,242,214, CCT deleted; deleting any 3 consecutive bases within chr9:128,242,209-128,242,214 gives the same sequence; the c. name uses the placement nearest the transcript's 3' end. VCF-style (leftmost placement, unchanged base first): chr9-128242208-ACCT-A. GRCh37 (hg19) VCF-style: chr9-131004487-ACCT-A.
Other names: c.1558-20_1558-18delCCT (NM_004408.3); c.1558-20_1558-18del (NM_001005336.3, NM_001374269.1, NM_001288738.2 and 2 more transcripts).
Identifiers: ClinVar variation 509722 (VCV000509722.1), dbSNP rs1193085933, ClinGen allele CA590621060.
Genomic context (GRCh38, chr9:128,242,208, plus strand): 5'-TTCGAATGCCTCTCTTTGCCTACCCCATCCCCCATGGGGAGGCTCAGGCCCTGTCCACTG[ACCT>A]CCTGCCCCATCACCCTCCAGGTCATCCGCAAGGGCTGGCTGACTATCAATAATATTGGCA-3'